The following is an entry in ClinVar:

ClinVar aggregate classification (germline): Uncertain significance (1 of 4 stars; one submission).

Conditions:
Ehlers-Danlos syndrome, classic type, 1 (EDSCL1). Also called: EDS I; EHLERS-DANLOS SYNDROME, GRAVIS TYPE; EHLERS-DANLOS SYNDROME, SEVERE CLASSIC TYPE; Ehlers-Danlos syndrome, type 1; Ehlers-Danlos Syndrome, Classic Type, COL5A1-Related. Identifiers: MedGen C0268335, MONDO:0019567, OMIM 130000.

Submission:

Labcorp Genetics (formerly Invitae), Labcorp
Classification: Uncertain significance for Ehlers-Danlos syndrome, classic type, 1. Last evaluated: 2023-04-30. Review status: criteria provided, single submitter. Criteria: Invitae Variant Classification Sherloc (09022015). Collection method: clinical testing. Allele origin: germline.
Comment: This sequence change replaces proline, which is neutral and non-polar, with threonine, which is neutral and polar, at codon 485 of the COL5A2 protein (p.Pro485Thr). In summary, the available evidence is currently insufficient to determine the role of this variant in disease. Therefore, it has been classified as a Variant of Uncertain Significance. An algorithm developed to predict the effect of missense changes on protein structure and function (PolyPhen-2) suggests that this variant is likely to be disruptive. This variant has not been reported in the literature in individuals affected with COL5A2-related conditions. This variant is not present in population databases (gnomAD no frequency).

NM_000393.5(COL5A2):c.1453C>A (p.Pro485Thr)

Gene: COL5A2 (collagen type V alpha 2 chain; minus strand). Cytogenetic location: 2q32.2.
Variant type: single nucleotide variant.
Coding change: c.1453C>A on transcript NM_000393.5 (MANE Select); coding-DNA position 1453, C replaced by A.
Protein change: p.Pro485Thr; replaces proline 485 with threonine.
Molecular consequence: missense variant.
Genome position (GRCh38, 1-based): chr2:189,066,731, G>T on the plus strand (C>A on the coding strand, the complement: COL5A2 is on the minus strand). VCF-style: chr2-189066731-G-T. GRCh37 (hg19) VCF-style: chr2-189931457-G-T.
Other names: short protein forms P485T.
Identifiers: ClinVar variation 2918455 (VCV002918455.3), dbSNP rs757065474, ClinGen allele CA349852232.